The following is an entry in ClinVar:

NM_017534.6(MYH2):c.4972-3C>T

Genes: MYH2 (myosin heavy chain 2; minus strand), MYHAS (myosin heavy chain gene cluster antisense RNA; plus strand), LOC126862500 (BRD4-independent group 4 enhancer GRCh37_chr17:10427829-10429028; plus strand). Cytogenetic location: 17p13.1.
Variant type: single nucleotide variant.
Coding change: c.4972-3C>T on transcript NM_017534.6 (MANE Select); 3 bases into the intron before coding-DNA position 4972, C replaced by T.
Molecular consequence: intron variant.
Genome position (GRCh38, 1-based): chr17:10,524,672, G>A on the plus strand (C>T on the coding strand, the complement: MYH2 is on the minus strand). VCF-style: chr17-10524672-G-A. GRCh37 (hg19) VCF-style: chr17-10427989-G-A.
Other names: c.4972-3C>T (NM_001100112.2).
Identifiers: ClinVar variation 4735605 (VCV004735605.1).
Genomic context (GRCh38, chr17:10,524,672, plus strand): 5'-GCTGTTCCTTCAGGTCCTCCTGGCTCCGGAGAGCATCATCCAGGTGGATCTGGGTATCCT[G>A]TGAAACAAACCATCATTGAGACATCATGTTCTCAGGGTTGCAGGCACCCCAATAGTCCTG-3'

ClinVar aggregate classification (germline): Uncertain significance (1 of 4 stars; one submission).

Conditions:
Myopathy, proximal, and ophthalmoplegia (CMYO6). Also called: MYOPATHY WITH CONGENITAL JOINT CONTRACTURES, OPHTHALMOPLEGIA, AND RIMMED VACUOLES; INCLUSION BODY MYOPATHY 3, AUTOSOMAL DOMINANT; CONGENITAL MYOPATHY 6 WITH OPHTHALMOPLEGIA. Identifiers: Orphanet 363677, Orphanet 79091, MedGen C1854106, MONDO:0011577, OMIM 605637.

gnomAD v4.1: 1 of 1,614,108 alleles (0.000062%); highest among the groups gnomAD compares: African/African-American, 0.0013%; no homozygotes.

Submission:

Labcorp Genetics (formerly Invitae), Labcorp
Classification: Uncertain significance for Myopathy, proximal, and ophthalmoplegia. Last evaluated: 2026-01-27. Review status: criteria provided, single submitter. Criteria: Invitae Variant Classification Sherloc (09022015). Collection method: clinical testing. Allele origin: germline.
Comment: This sequence change falls in intron 34 of the MYH2 gene. It does not directly change the encoded amino acid sequence of the MYH2 protein. It affects a nucleotide within the consensus splice site. This variant is present in population databases (no rsID available, gnomAD 0.01%). This variant has not been reported in the literature in individuals affected with MYH2-related conditions. Variants that disrupt the consensus splice site are a relatively common cause of aberrant splicing (PMID: 17576681, 9536098). Algorithms developed to predict the effect of sequence changes on RNA splicing suggest that this variant is not likely to affect RNA splicing. In summary, the available evidence is currently insufficient to determine the role of this variant in disease. Therefore, it has been classified as a Variant of Uncertain Significance.

Literature cited by the submitters: PubMed 17576681; PubMed 9536098.